The following is an entry in ClinVar:

ClinVar aggregate classification (germline): Pathogenic (0 of 4 stars; one submission).

Submission:

SNPedia
Classification: Pathogenic. Review status: no assertion criteria provided. Collection method: not provided. Allele origin: germline.
ClinVar note: Converted during submission from pathogenic to Pathogenic.

NM_152564.5(VPS13B):c.4880C>G (p.Ser1627Ter)

Gene: VPS13B (vacuolar protein sorting 13 homolog B; plus strand). Cytogenetic location: 8q22.2.
Variant type: single nucleotide variant.
Coding change: c.4880C>G on transcript NM_152564.5 (MANE Select); coding-DNA position 4880, C replaced by G.
Protein change: p.Ser1627Ter; replaces serine 1627 with a stop codon.
Molecular consequence: nonsense.
Genome position (GRCh38, 1-based): chr8:99,556,584, C>G. VCF-style: chr8-99556584-C-G. GRCh37 (hg19) VCF-style: chr8-100568812-C-G.
Other names: c.4955C>G, p.Ser1652Ter (NM_017890.5); short protein forms S1627*, S1652*.
Identifiers: ClinVar variation 68087 (VCV000068087.2), dbSNP rs180177361, ClinGen allele CA284790.